The following is an entry in ClinVar:

ClinVar aggregate classification (germline): Benign. Review status: criteria provided, multiple submitters, no conflicts (2 of 4 stars). 12 submissions from 12 submitters: Benign (9). 3 of the submissions do not count toward it. Last evaluated 2025-04-25.

Conditions:
Autosomal dominant polycystic kidney disease. Identifiers: Orphanet 730, MedGen C0085413, MONDO:0004691.
Polycystic kidney disease, adult type (PKD1). Also called: Polycystic Kidney, Autosomal Dominant; Polycystic Kidney Disease 1, Autosomal Dominant; Polycystic kidney disease 1; Polycystic kidney disease 1, severe; POLYCYSTIC KIDNEY DISEASE 1 WITH OR WITHOUT POLYCYSTIC LIVER DISEASE; POLYCYSTIC KIDNEY DISEASE, ADULT, TYPE I. Identifiers: MedGen C3149841, MONDO:0008263, OMIM 173900.
Polycystic kidney disease. Also called: Polycystic kidney dysplasia; Kidney, Polycystic. Identifiers: MedGen C0022680, MeSH D007690, MONDO:0020642, HP:0000113.

Allele frequency attached by ClinVar (database versions not stated): 1000 Genomes Project 0.27796; 1000 Genomes Project 30x 0.28670; TOPMed 0.32163; ESP Exome Variant Server 0.33032.
gnomAD v4.1: 322,364 of 1,608,974 alleles (20%); highest among the groups gnomAD compares: African/African-American, 65%; 41,941 homozygotes.

Submissions (12):

Women's Health and Genetics/Laboratory Corporation of America, LabCorp
Classification: Benign. Last evaluated: 2025-04-25. Review status: criteria provided, single submitter. Criteria: LabCorp Variant Classification Summary - May 2015. Collection method: clinical testing. Allele origin: germline.

Blueprint Genetics
Classification: Benign. Last evaluated: 2024-11-27. Review status: criteria provided, single submitter. Criteria: ACMG Guidelines, 2015. Collection method: clinical testing. Allele origin: germline.

Mayo Clinic Laboratories, Mayo Clinic
Classification: Benign. Last evaluated: 2022-03-09. Review status: criteria provided, single submitter. Criteria: ACMG Guidelines, 2015. Collection method: clinical testing. Allele origin: germline. Observed: 228 variant alleles.

ARUP Laboratories, Molecular Genetics and Genomics, ARUP Laboratories
Classification: Benign for Polycystic kidney disease, adult type. Last evaluated: 2020-07-07. Review status: criteria provided, single submitter. Criteria: ARUP Molecular Germline Variant Investigation Process. Collection method: clinical testing. Allele origin: germline.

GeneDx
Classification: Benign. Last evaluated: 2019-09-24. Review status: criteria provided, single submitter. Criteria: GeneDx Variant Classification Process June 2021. Collection method: clinical testing. Allele origin: germline. Affected: yes.

Molecular Genetics of Inherited Kidney Disorders Laboratory, Garvan Institute of Medical Research
Classification: Benign for Autosomal dominant polycystic kidney disease. Last evaluated: 2019-01-01. Review status: criteria provided, single submitter. Criteria: ACMG Guidelines, 2015. Collection method: research. Allele origin: germline. Affected: yes.

Athena Diagnostics
Classification: Benign for Polycystic kidney disease, adult type. Last evaluated: 2017-05-23. Review status: criteria provided, single submitter. Criteria: Athena Diagnostics Criteria. Collection method: clinical testing. Allele origin: germline.

Breakthrough Genomics
Classification: Benign. Review status: criteria provided, single submitter. Criteria: ACMG Guidelines, 2015. Collection method: not provided. Allele origin: germline. Inheritance: Autosomal dominant inheritance. Affected: yes.

PreventionGenetics, part of Exact Sciences
Classification: Benign. Review status: criteria provided, single submitter. Criteria: ACMG Guidelines, 2015. Collection method: clinical testing. Allele origin: germline.

Clinical Genetics DNA and cytogenetics Diagnostics Lab, Erasmus MC, Erasmus Medical Center
Classification: Benign. Review status: no assertion criteria provided. Collection method: clinical testing. Allele origin: germline. Affected: yes. Study: VKGL Data-share Consensus. Not counted in ClinVar's aggregate classification.

Department of Pathology and Laboratory Medicine, Sinai Health System
Classification: Benign for Polycystic Kidney disease. Review status: no assertion criteria provided. Collection method: clinical testing. Allele origin: unknown. Affected: yes. Observed: 1 variant allele. Study: The Canadian Open Genetics Repository (COGR). Not counted in ClinVar's aggregate classification.
Comment: The 12630T>C, p.Pro4210Pro variant was identified in 20.11% of 21171 control alleles in the Exome Aggregation Consortium (March 14, 2016). According to ACMG guidelines for variant classification based on allele frequency, category BA1, this variant is considered benign and has not been further reviewed (Richards 2015).

Joint Genome Diagnostic Labs from Nijmegen and Maastricht, Radboudumc and MUMC+
Classification: Benign. Review status: no assertion criteria provided. Collection method: clinical testing. Allele origin: germline. Affected: yes. Study: VKGL Data-share Consensus. Not counted in ClinVar's aggregate classification.

NM_001009944.3(PKD1):c.12630T>C (p.Pro4210=)

Gene: PKD1 (polycystin 1, transient receptor potential channel interacting; minus strand). Cytogenetic location: 16p13.3.
Variant type: single nucleotide variant.
Coding change: c.12630T>C on transcript NM_001009944.3 (MANE Select); coding-DNA position 12630, T replaced by C.
Protein change: p.Pro4210=; no amino-acid change (proline 4210 retained).
Molecular consequence: synonymous variant.
Genome position (GRCh38, 1-based): chr16:2,090,009, A>G on the plus strand (T>C on the coding strand, the complement: PKD1 is on the minus strand). VCF-style: chr16-2090009-A-G. GRCh37 (hg19) VCF-style: chr16-2140010-A-G.
Other names: p.Pro4210=; c.12627T>C, p.Pro4209= (NM_000296.4).
Identifiers: ClinVar variation 256921 (VCV000256921.24), dbSNP rs7203729, ClinGen allele CA7828521.